The following is an entry in ClinVar:

NM_015294.6(TRIM37):c.1612G>A (p.Ala538Thr)

Gene: TRIM37 (tripartite motif containing 37; minus strand). Cytogenetic location: 17q22.
Variant type: single nucleotide variant.
Coding change: c.1612G>A on transcript NM_015294.6 (MANE Select); coding-DNA position 1612, G replaced by A.
Protein change: p.Ala538Thr; replaces alanine 538 with threonine.
Molecular consequence: missense variant. On other transcripts: non-coding transcript variant (2).
Genome position (GRCh38, 1-based): chr17:59,047,738, C>T on the plus strand (G>A on the coding strand, the complement: TRIM37 is on the minus strand). VCF-style: chr17-59047738-C-T. GRCh37 (hg19) VCF-style: chr17-57125099-C-T.
Other names: c.1246G>A, p.Ala416Thr (NM_001320990.3); c.1510G>A, p.Ala504Thr (NM_001353082.2, NM_001320987.3); c.877G>A, p.Ala293Thr (NM_001353083.2); c.1612G>A, p.Ala538Thr (NM_001353084.2, NM_001005207.5, NM_001320988.3 and 1 more transcripts); c.1150G>A, p.Ala384Thr (NM_001353085.2); c.1561G>A, p.Ala521Thr (NM_001353086.2); short protein forms A293T, A384T, A416T, A504T, A521T, A538T.
Identifiers: ClinVar variation 5038423 (VCV005038423.1).

ClinVar aggregate classification (germline): Uncertain significance (1 of 4 stars; one submission).

Conditions:
Mulibrey nanism syndrome. Also called: MUSCLE-LIVER-BRAIN-EYE NANISM; PERHEENTUPA SYNDROME; PERICARDIAL CONSTRICTION AND GROWTH FAILURE. Identifiers: Orphanet 2576, MedGen C0524582, MONDO:0009664, OMIM 253250.

Submission:

St. Jude Molecular Pathology, St. Jude Children's Research Hospital
Classification: Uncertain significance for Mulibrey nanism syndrome. Last evaluated: 2026-10-01. Review status: criteria provided, single submitter. Criteria: St. Jude Assertion Criteria 2020. Collection method: clinical testing. Allele origin: germline.
Comment: The TRIM37 c.1612G>A p.(Ala538Thr) missense change is absen t in gnomAD v2.1.1. The in silico tool REVEL predicts a benign effect on protein function, but to our knowledge this prediction has not been confirmed by functional studies. To our knowledge, this variant has not been reported in individuals with Mulibrey nanism. In summary, the evidence currently available is insufficient to determine the clinical significance of this variant. It has therefore been classified as of uncertain significance.